The following is an entry in ClinVar:

NM_170606.3(KMT2C):c.12370A>G (p.Met4124Val)

Gene: KMT2C (lysine methyltransferase 2C; minus strand). Cytogenetic location: 7q36.1.
Variant type: single nucleotide variant.
Coding change: c.12370A>G on transcript NM_170606.3 (MANE Select); coding-DNA position 12370, A replaced by G.
Protein change: p.Met4124Val; replaces methionine 4124 with valine.
Molecular consequence: missense variant.
Genome position (GRCh38, 1-based): chr7:152,152,861, T>C on the plus strand (A>G on the coding strand, the complement: KMT2C is on the minus strand). VCF-style: chr7-152152861-T-C. GRCh37 (hg19) VCF-style: chr7-151849946-T-C.
Other names: c.12370A>G (NM_170606.2); short protein forms M4124V.
Identifiers: ClinVar variation 134809 (VCV000134809.4), dbSNP rs587778509, ClinGen allele CA160787.

ClinVar aggregate classification (germline): Uncertain significance. Review status: criteria provided, single submitter (1 of 4 stars). 2 submissions from 2 submitters: Uncertain significance (1). 1 of the submissions does not count toward it. Last evaluated 2019-11-05.

Conditions:
Kleefstra syndrome 2 (KLEFS2). Identifiers: MedGen C4540395, MONDO:0054701, OMIM 617768.

Allele frequency attached by ClinVar (database versions not stated): gnomAD exomes 0.00001 and 0.00002; ExAC 0.00002.
gnomAD v4.1: 19 of 1,614,174 alleles (0.0012%); highest among the groups gnomAD compares: East Asian, 0.011%; no homozygotes.

Submissions (2):

Revvity Omics, Revvity
Classification: Uncertain significance for Kleefstra syndrome 2. Last evaluated: 2019-11-05. Review status: criteria provided, single submitter. Criteria: ACMG Guidelines, 2015. Collection method: clinical testing. Allele origin: germline.

ITMI
No classification provided. Condition: AllHighlyPenetrant. Last evaluated: 2013-09-19. Review status: no classification provided. Collection method: reference population. Allele origin: germline. Not counted in ClinVar's aggregate classification.
Comment: Please see associated publication for description of ethnicities

Literature cited by the submitters: PubMed 24728327 (cited by ITMI).